The following is an entry in ClinVar:

ClinVar aggregate classification (germline): Uncertain significance. Review status: criteria provided, multiple submitters, no conflicts (2 of 4 stars). 2 submissions from 2 submitters: Uncertain significance (2). Last evaluated 2022-05-13.

Allele frequency attached by ClinVar (database versions not stated): ExAC 0.00001; gnomAD 0.00003 and 0.00004; TOPMed 0.00006; ESP Exome Variant Server 0.00015.
gnomAD v4.1: 11 of 1,613,572 alleles (0.00068%); highest among the groups gnomAD compares: African/African-American, 0.011%; no homozygotes.

Submissions (2):

Labcorp Genetics (formerly Invitae), Labcorp
Classification: Uncertain significance. Last evaluated: 2022-05-13. Review status: criteria provided, single submitter. Criteria: Invitae Variant Classification Sherloc (09022015). Collection method: clinical testing. Allele origin: germline.
Comment: This sequence change replaces threonine, which is neutral and polar, with proline, which is neutral and non-polar, at codon 1463 of the ABCA4 protein (p.Thr1463Pro). This variant is present in population databases (rs113134400, gnomAD 0.02%). This variant has not been reported in the literature in individuals affected with ABCA4-related conditions. ClinVar contains an entry for this variant (Variation ID: 936175). Advanced modeling of protein sequence and biophysical properties (such as structural, functional, and spatial information, amino acid conservation, physicochemical variation, residue mobility, and thermodynamic stability) performed at Invitae indicates that this missense variant is not expected to disrupt ABCA4 protein function. In summary, the available evidence is currently insufficient to determine the role of this variant in disease. Therefore, it has been classified as a Variant of Uncertain Significance.

Blueprint Genetics
Classification: Uncertain significance. Last evaluated: 2022-01-06. Review status: criteria provided, single submitter. Criteria: ACMG Guidelines, 2015. Collection method: clinical testing. Allele origin: germline.

NM_000350.3(ABCA4):c.4387A>C (p.Thr1463Pro)

Gene: ABCA4 (ATP binding cassette subfamily A member 4; minus strand). Cytogenetic location: 1p22.1.
Variant type: single nucleotide variant.
Coding change: c.4387A>C on transcript NM_000350.3 (MANE Select); coding-DNA position 4387, A replaced by C.
Protein change: p.Thr1463Pro; replaces threonine 1463 with proline.
Molecular consequence: missense variant.
Genome position (GRCh38, 1-based): chr1:94,029,597, T>G on the plus strand (A>C on the coding strand, the complement: ABCA4 is on the minus strand). VCF-style: chr1-94029597-T-G. GRCh37 (hg19) VCF-style: chr1-94495153-T-G.
Other names: c.4165A>C, p.Thr1389Pro (NM_001425324.1); short protein forms T1463P, T1389P.
Identifiers: ClinVar variation 936175 (VCV000936175.8), dbSNP rs113134400, ClinGen allele CA957616.
Genomic context (GRCh38, chr1:94,029,597, plus strand): 5'-TGACCTGTGTCCATTTCTGCTTCTGGAACAGCTGGGTGATGTTTGGGGACACAGAAGGAG[T>G]CTTCCAGGGTGTTGAGTTGCCACAGGGGTACTCCCTCATGGAAGACAAGAAAATATTCCA-3'
Protein context (NP_000341.2, residues 1453-1473): YPCGNSTPWK[Thr1463Pro]PSVSPNITQL